The following is an entry in ClinVar:

ClinVar aggregate classification (germline): Uncertain significance (1 of 4 stars; one submission).

gnomAD v4.1: 5 of 1,613,036 alleles (0.00031%); highest among the groups gnomAD compares: African/African-American, 0.0067%; no homozygotes.

Submission:

GeneDx
Classification: Uncertain significance. Last evaluated: 2023-11-10. Review status: criteria provided, single submitter. Criteria: GeneDx Variant Classification Process June 2021. Collection method: clinical testing. Allele origin: germline. Affected: yes.
Comment: Not observed at significant frequency in large population cohorts (gnomAD); In silico analysis supports that this missense variant has a deleterious effect on protein structure/function; Has not been previously published as pathogenic or benign to our knowledge

NM_001378615.1(CC2D2A):c.4702T>A (p.Tyr1568Asn)

Genes: CC2D2A (coiled-coil and C2 domain containing 2A; plus strand), FBXL5 (F-box and leucine rich repeat protein 5; minus strand). Cytogenetic location: 4p15.32.
Variant type: single nucleotide variant.
Coding change: c.4702T>A on transcript NM_001378615.1 (MANE Select); coding-DNA position 4702, T replaced by A.
Protein change: p.Tyr1568Asn; replaces tyrosine 1568 with asparagine.
Molecular consequence: missense variant.
Genome position (GRCh38, 1-based): chr4:15,601,264, T>A. VCF-style: chr4-15601264-T-A. GRCh37 (hg19) VCF-style: chr4-15602887-T-A.
Other names: c.4702T>A, p.Tyr1568Asn (NM_001080522.2); c.4555T>A, p.Tyr1519Asn (NM_001378617.1); short protein forms Y1519N, Y1568N.
Identifiers: ClinVar variation 3363858 (VCV003363858.1).
Genomic context (GRCh38, chr4:15,601,264, plus strand): 5'-TCACTAATGACTACAAATGTTTTTTCCCTTCAGTTCTCTGGATTTCCTCTTCACATGCCT[T>A]ATTCTGAAGTGAAGCCTTTAATTGACGCTGTGTATAGTACTGGAGTACATAATATTGATG-3'
Protein context (NP_001365544.1, residues 1558-1578): RFSGFPLHMP[Tyr1568Asn]SEVKPLIDAV